The following is an entry in ClinVar:

ClinVar aggregate classification (germline): Conflicting classifications of pathogenicity. Review status: criteria provided, conflicting classifications (1 of 4 stars). 9 submissions from 9 submitters: Uncertain significance (1); Likely benign (6). 2 of the submissions do not count toward it. Last evaluated 2026-08-03.

Conditions:
FLNC-related disorder. Also called: FLNC-related disorders; FLNC-related condition.
Myofibrillar myopathy 5. Also called: FILAMINOPATHY, AUTOSOMAL DOMINANT; Filaminopathy (type). Identifiers: Orphanet 171445, MedGen C1836050, MONDO:0012289, OMIM 609524.
Hypertrophic cardiomyopathy 26. Also called: Cardiomyopathy, familial hypertrophic, 26. Identifiers: Orphanet 75249, MedGen C4310749, MONDO:0014883, OMIM 617047.
Distal myopathy with posterior leg and anterior hand involvement. Also called: WILLIAMS DISTAL MYOPATHY. Identifiers: Orphanet 63273, MedGen C3279722, MONDO:0013550, OMIM 614065.
Cardiovascular phenotype. Identifiers: MedGen CN230736.

Allele frequency attached by ClinVar (database versions not stated): gnomAD 0.00001 and 0.00003; TOPMed 0.00002; gnomAD exomes 0.00005 and 0.00009; ESP Exome Variant Server 0.00008; ExAC 0.00029.
gnomAD v4.1: 74 of 1,541,674 alleles (0.0048%); highest among the groups gnomAD compares: South Asian, 0.044%; 1 homozygote.

Submissions (9):

PreventionGenetics, part of Exact Sciences
Classification: Likely benign for FLNC-related condition. Last evaluated: 2026-08-03. Review status: criteria provided, single submitter. Criteria: ACMG Guidelines, 2015. Collection method: clinical testing. Allele origin: germline.
Comment: This variant is classified as likely benign based on ACMG/AMP sequence variant interpretation guidelines (Richards et al. 2015 PMID: 25741868, with internal and published modifications).

Labcorp Genetics (formerly Invitae), Labcorp
Classification: Likely benign for Distal myopathy with posterior leg and anterior hand involvement; Myofibrillar myopathy 5; Hypertrophic cardiomyopathy 26. Last evaluated: 2026-01-10. Review status: criteria provided, single submitter. Criteria: Invitae Variant Classification Sherloc (09022015). Collection method: clinical testing. Allele origin: germline.

Molecular Diagnostic Laboratory for Inherited Cardiovascular Disease, Montreal Heart Institute
Classification: Likely benign. Last evaluated: 2025-04-09. Review status: criteria provided, single submitter. Criteria: ACMG Guidelines, 2015. Collection method: clinical testing. Allele origin: germline. Affected: no.
Comment: BS1,BP4

Blueprint Genetics
Classification: Likely benign. Last evaluated: 2024-08-13. Review status: criteria provided, single submitter. Criteria: ACMG Guidelines, 2015. Collection method: clinical testing. Allele origin: germline.

Women's Health and Genetics/Laboratory Corporation of America, LabCorp
Classification: Likely benign. Last evaluated: 2024-04-22. Review status: criteria provided, single submitter. Criteria: LabCorp Variant Classification Summary - May 2015. Collection method: clinical testing. Allele origin: germline.
Comment: Variant summary: FLNC c.5281G>A (p.Ala1761Thr) results in a non-conservative amino acid change in the encoded protein sequence. Four of five in-silico tools predict a benign effect of the variant on protein function. The variant allele was found at a frequency of 9e-05 in 143986 control chromosomes. The observed variant frequency is approximately 8-fold of the estimated maximal expected allele frequency for a pathogenic variant in FLNC causing Cardiomyopathy phenotype (1.1e-05), suggesting that the variant is benign. To our knowledge, no occurrence of c.5281G>A in individuals affected with Cardiomyopathy and no experimental evidence demonstrating its impact on protein function have been reported. ClinVar contains an entry for this variant (Variation ID: 472099). Based on the evidence outlined above, the variant was classified as likely benign.

Ambry Genetics
Classification: Likely benign for Cardiovascular phenotype. Last evaluated: 2022-01-30. Review status: criteria provided, single submitter. Criteria: Ambry Variant Classification Scheme 2023. Collection method: clinical testing. Allele origin: germline.

Revvity Omics, Revvity
Classification: Uncertain significance. Last evaluated: 2022-01-25. Review status: criteria provided, single submitter. Criteria: ACMG Guidelines, 2015. Collection method: clinical testing. Allele origin: germline.

Joint Genome Diagnostic Labs from Nijmegen and Maastricht, Radboudumc and MUMC+
Classification: Likely benign. Review status: no assertion criteria provided. Collection method: clinical testing. Allele origin: germline. Affected: yes. Study: VKGL Data-share Consensus. Not counted in ClinVar's aggregate classification.

Laboratory of Diagnostic Genome Analysis, Leiden University Medical Center (LUMC)
Classification: Likely benign. Review status: no assertion criteria provided. Collection method: clinical testing. Allele origin: germline. Affected: yes. Study: VKGL Data-share Consensus. Not counted in ClinVar's aggregate classification.

NM_001458.5(FLNC):c.5281G>A (p.Ala1761Thr)

Gene: FLNC (filamin C; plus strand). Cytogenetic location: 7q32.1.
Variant type: single nucleotide variant.
Coding change: c.5281G>A on transcript NM_001458.5 (MANE Select); coding-DNA position 5281, G replaced by A.
Protein change: p.Ala1761Thr; replaces alanine 1761 with threonine.
Molecular consequence: missense variant. On other transcripts: intron variant (1).
Genome position (GRCh38, 1-based): chr7:128,850,057, G>A. VCF-style: chr7-128850057-G-A. GRCh37 (hg19) VCF-style: chr7-128490111-G-A.
Other names: c.5200-327G>A (NM_001127487.2); short protein forms A1761T.
Identifiers: ClinVar variation 472099 (VCV000472099.20), dbSNP rs376023896, ClinGen allele CA4475627.